The following is an entry in ClinVar:

NM_000540.3(RYR1):c.2635G>T (p.Glu879Ter)

Gene: RYR1 (ryanodine receptor 1; plus strand). Cytogenetic location: 19q13.2.
Variant type: single nucleotide variant.
Coding change: c.2635G>T on transcript NM_000540.3 (MANE Select); coding-DNA position 2635, G replaced by T.
Protein change: p.Glu879Ter; replaces glutamic acid 879 with a stop codon.
Molecular consequence: nonsense.
Genome position (GRCh38, 1-based): chr19:38,463,480, G>T. VCF-style: chr19-38463480-G-T. GRCh37 (hg19) VCF-style: chr19-38954120-G-T.
Other names: c.2635G>T, p.Glu879Ter (NM_001042723.2); short protein forms E879*.
Identifiers: ClinVar variation 2750617 (VCV002750617.3), dbSNP rs746904839, ClinGen allele CA405631975.

ClinVar aggregate classification (germline): Pathogenic (1 of 4 stars; one submission).

Conditions:
RYR1-related disorder. Also called: RYR1-related condition; RYR1-related disorders. Identifiers: MedGen CN239331.

gnomAD v4.1: 2 of 1,613,576 alleles (0.00012%); highest among the groups gnomAD compares: Non-Finnish European, 0.00017%; no homozygotes.

Submission:

Labcorp Genetics (formerly Invitae), Labcorp
Classification: Pathogenic for RYR1-related disorder. Last evaluated: 2023-08-06. Review status: criteria provided, single submitter. Criteria: Invitae Variant Classification Sherloc (09022015). Collection method: clinical testing. Allele origin: germline.
Comment: This sequence change creates a premature translational stop signal (p.Glu879*) in the RYR1 gene. It is expected to result in an absent or disrupted protein product. Loss-of-function variants in RYR1 are known to be pathogenic (PMID: 23919265, 25960145, 28818389, 30611313). This variant is not present in population databases (gnomAD no frequency). This variant has not been reported in the literature in individuals affected with RYR1-related conditions. For these reasons, this variant has been classified as Pathogenic.

Literature cited by the submitters: PubMed 23919265; PubMed 25960145; PubMed 28818389; PubMed 30611313.